The following is an entry in ClinVar:

NM_198334.3(GANAB):c.1032_1037dup (p.Ser345_Gly346dup)

Gene: GANAB (glucosidase II alpha subunit; minus strand). Cytogenetic location: 11q12.3.
Variant type: Duplication.
Coding change: c.1032_1037dup on transcript NM_198334.3 (MANE Select); coding-DNA positions 1032 to 1037, 6 bases duplicated (CTCTGG; older notation c.1032_1037dupCTCTGG).
Protein change: p.Ser345_Gly346dup.
Molecular consequence: inframe insertion.
Genome position (GRCh38, 1-based): chr11:62,631,143-62,631,148, CCAGAG duplicated on the plus strand (CTCTGG on the coding strand, the reverse complement: GANAB is on the minus strand); duplicating any 6 consecutive bases within chr11:62,631,143-62,631,150 gives the same sequence; the c. name uses the placement nearest the transcript's 3' end. VCF-style (leftmost placement, unchanged base first): chr11-62631142-C-CCCAGAG. GRCh37 (hg19) VCF-style: chr11-62398614-C-CCCAGAG.
Other names: c.756_761dup, p.Ser253_Gly254dup (NM_001278192.2); c.690_695dup, p.Ser231_Gly232dup (NM_001278193.2); c.741_746dup, p.Ser248_Gly249dup (NM_001278194.2, NM_001329222.2, NM_001329223.2); c.309_314dup, p.Ser104_Gly105dup (NM_001329224.2, NM_001329225.2); c.1098_1103dup, p.Ser367_Gly368dup (NM_198335.4).
Identifiers: ClinVar variation 1312682 (VCV001312682.2), dbSNP rs756294223, ClinGen allele CA223048337.

ClinVar aggregate classification (germline): Uncertain significance (1 of 4 stars; one submission).

Submission:

GeneDx
Classification: Uncertain significance. Last evaluated: 2020-06-29. Review status: criteria provided, single submitter. Criteria: GeneDx Variant Classification Process June 2021. Collection method: clinical testing. Allele origin: germline. Affected: yes.
Comment: In-frame insertion of two amino acids in a non-repeat region; Not observed at a significant frequency in large population cohorts (Lek et al., 2016); Has not been previously published as pathogenic or benign to our knowledge